The following is an entry in ClinVar:

ClinVar aggregate classification (germline): Uncertain significance (1 of 4 stars; one submission).

gnomAD v4.1: 1 of 1,607,430 alleles (0.000062%); highest among the groups gnomAD compares: Non-Finnish European, 0.000085%; no homozygotes.

Submission:

GeneDx
Classification: Uncertain significance. Last evaluated: 2023-05-03. Review status: criteria provided, single submitter. Criteria: GeneDx Variant Classification Process June 2021. Collection method: clinical testing. Allele origin: germline. Affected: yes.
Comment: Not observed at significant frequency in large population cohorts (gnomAD); In silico analysis supports that this missense variant does not alter protein structure/function; Has not been previously published as pathogenic or benign to our knowledge

NM_018896.5(CACNA1G):c.3675T>A (p.Asp1225Glu)

Gene: CACNA1G (calcium voltage-gated channel subunit alpha1 G; plus strand). Cytogenetic location: 17q21.33.
Variant type: single nucleotide variant.
Coding change: c.3675T>A on transcript NM_018896.5 (MANE Select); coding-DNA position 3675, T replaced by A.
Protein change: p.Asp1225Glu; replaces aspartic acid 1225 with glutamic acid.
Molecular consequence: missense variant. On other transcripts: non-coding transcript variant (5).
Genome position (GRCh38, 1-based): chr17:50,599,844, T>A. VCF-style: chr17-50599844-T-A. GRCh37 (hg19) VCF-style: chr17-48677205-T-A.
Other names: c.3675T>A, p.Asp1225Glu (NM_001256324.2, NM_001256325.2, NM_001256326.2 and 16 more transcripts); c.3606T>A, p.Asp1202Glu (NM_001256332.2, NM_198376.3, NM_198379.3 and 5 more transcripts); short protein forms D1202E, D1225E.
Identifiers: ClinVar variation 3343187 (VCV003343187.1).